The following is an entry in ClinVar:

ClinVar aggregate classification (germline): Uncertain significance (1 of 4 stars; one submission).

gnomAD v4.1: 5 of 1,614,040 alleles (0.00031%); highest among the groups gnomAD compares: Admixed American, 0.0033%; no homozygotes.

Submission:

Labcorp Genetics (formerly Invitae), Labcorp
Classification: Uncertain significance. Last evaluated: 2024-11-11. Review status: criteria provided, single submitter. Criteria: Invitae Variant Classification Sherloc (09022015). Collection method: clinical testing. Allele origin: germline.
Comment: This sequence change replaces glycine, which is neutral and non-polar, with serine, which is neutral and polar, at codon 996 of the ASXL1 protein (p.Gly996Ser). This variant is present in population databases (no rsID available, gnomAD 0.006%). This variant has not been reported in the literature in individuals affected with ASXL1-related conditions. An algorithm developed to predict the effect of missense changes on protein structure and function outputs the following: PolyPhen-2: "Benign". The serine amino acid residue is found in multiple mammalian species, which suggests that this missense change does not adversely affect protein function. In summary, the available evidence is currently insufficient to determine the role of this variant in disease. Therefore, it has been classified as a Variant of Uncertain Significance.

NM_015338.6(ASXL1):c.2986G>A (p.Gly996Ser)

Gene: ASXL1 (ASXL transcriptional regulator 1; plus strand). Cytogenetic location: 20q11.21.
Variant type: single nucleotide variant.
Coding change: c.2986G>A on transcript NM_015338.6 (MANE Select); coding-DNA position 2986, G replaced by A.
Protein change: p.Gly996Ser; replaces glycine 996 with serine.
Molecular consequence: missense variant.
Genome position (GRCh38, 1-based): chr20:32,435,698, G>A. VCF-style: chr20-32435698-G-A. GRCh37 (hg19) VCF-style: chr20-31023501-G-A.
Other names: c.2803G>A, p.Gly935Ser (NM_001363734.1); short protein forms G935S, G996S.
Identifiers: ClinVar variation 3676014 (VCV003676014.2).